The following is an entry in ClinVar:

ClinVar aggregate classification (germline): Likely benign (0 of 4 stars; one submission).

Conditions:
HTR2C-related disorder. Also called: HTR2C-related condition.

Allele frequency attached by ClinVar (database versions not stated): TOPMed 0.00003; ExAC 0.00005; gnomAD 0.00006; ESP Exome Variant Server 0.00009; 1000 Genomes Project 30x 0.00021; 1000 Genomes Project 0.00026.
gnomAD v4.1: 73 of 1,208,540 alleles (0.006%); highest among the groups gnomAD compares: Non-Finnish European, 0.0081%; no homozygotes.

Submission:

PreventionGenetics, part of Exact Sciences
Classification: Likely benign for HTR2C-related condition. Last evaluated: 2024-04-03. Review status: no assertion criteria provided. Collection method: clinical testing. Allele origin: germline.
Comment: This variant is classified as likely benign based on ACMG/AMP sequence variant interpretation guidelines (Richards et al. 2015 PMID: 25741868, with internal and published modifications).

NM_000868.4(HTR2C):c.1272C>T (p.Ile424=)

Genes: HTR2C (5-hydroxytryptamine receptor 2C; plus strand), LOC126863306 (MED14-independent group 3 enhancer GRCh37_chrX:114140926-114142125; plus strand). Cytogenetic location: Xq23.
Variant type: single nucleotide variant.
Coding change: c.1272C>T on transcript NM_000868.4 (MANE Select); coding-DNA position 1272, C replaced by T.
Protein change: p.Ile424=; no amino-acid change (isoleucine 424 retained).
Molecular consequence: synonymous variant. On other transcripts: 3 prime UTR variant (1).
Genome position (GRCh38, 1-based): chrX:114,907,310, C>T. VCF-style: chrX-114907310-C-T. GRCh37 (hg19) VCF-style: chrX-114141873-C-T.
Other names: c.1272C>T, p.Ile424= (NM_001256760.3); c.*430C>T (NM_001256761.3).
Identifiers: ClinVar variation 2629171 (VCV002629171.2), dbSNP rs201434349, ClinGen allele CA10495570.